The following is an entry in ClinVar:

ClinVar aggregate classification (germline): Conflicting classifications of pathogenicity. Review status: criteria provided, conflicting classifications (1 of 4 stars). 3 submissions from 3 submitters: Uncertain significance (1); Likely benign (1). 1 of the submissions does not count toward it. Last evaluated 2025-10-09.

Conditions:
Osteogenesis imperfecta type 8 (OI8). Identifiers: MedGen C1970458, MONDO:0012581, OMIM 610915.
P3H1-related disorder. Also called: P3H1-related condition.

Allele frequency attached by ClinVar (database versions not stated): gnomAD exomes 0.00002; ExAC 0.00003; TOPMed 0.00003.
gnomAD v4.1: 26 of 1,610,928 alleles (0.0016%); highest among the groups gnomAD compares: Non-Finnish European, 0.0018%; no homozygotes.

Submissions (3):

Labcorp Genetics (formerly Invitae), Labcorp
Classification: Likely benign for Osteogenesis imperfecta type 8. Last evaluated: 2025-10-09. Review status: criteria provided, single submitter. Criteria: Invitae Variant Classification Sherloc (09022015). Collection method: clinical testing. Allele origin: germline.

Illumina Laboratory Services, Illumina
Classification: Uncertain significance for Osteogenesis imperfecta type 8. Last evaluated: 2018-01-13. Review status: criteria provided, single submitter. Criteria: ICSL Variant Classification Criteria 13 December 2019. Collection method: clinical testing. Allele origin: germline.

PreventionGenetics, part of Exact Sciences
Classification: Likely benign for P3H1-related condition. Last evaluated: 2019-02-23. Review status: no assertion criteria provided. Collection method: clinical testing. Allele origin: germline. Not counted in ClinVar's aggregate classification.
Comment: This variant is classified as likely benign based on ACMG/AMP sequence variant interpretation guidelines (Richards et al. 2015 PMID: 25741868, with internal and published modifications).

NM_022356.4(P3H1):c.1944C>T (p.Ala648=)

Gene: P3H1 (prolyl 3-hydroxylase 1; minus strand). Cytogenetic location: 1p34.2.
Variant type: single nucleotide variant.
Coding change: c.1944C>T on transcript NM_022356.4 (MANE Select); coding-DNA position 1944, C replaced by T.
Protein change: p.Ala648=; no amino-acid change (alanine 648 retained).
Molecular consequence: synonymous variant.
Genome position (GRCh38, 1-based): chr1:42,747,383, G>A on the plus strand (C>T on the coding strand, the complement: P3H1 is on the minus strand). VCF-style: chr1-42747383-G-A. GRCh37 (hg19) VCF-style: chr1-43213054-G-A.
Other names: c.1944C>T, p.Ala648= (NM_001146289.2, NM_001243246.2).
Identifiers: ClinVar variation 875524 (VCV000875524.12), dbSNP rs760909376, ClinGen allele CA801635.
Genomic context (GRCh38, chr1:42,747,383, plus strand): 5'-CTGCCCCCTGGTGACAGCCTTCACTCCATGTGGGTTTTCAGTGCCTGAAGAGAATCCCAC[G>A]GCTCTTCCACACTGAGGCTGCACCTCTGCCTAAGGGGGACAGAAAGGGAGGGGGGTTGCA-3'
Protein context (NP_071751.3, residues 638-658): TAEVQPQCGR[Ala648=]VGFSSGTENP